The following is an entry in ClinVar:

NM_032043.3(BRIP1):c.3619G>T (p.Asp1207Tyr)

Gene: BRIP1 (BRCA1 interacting DNA helicase 1; minus strand). Cytogenetic location: 17q23.2.
Variant type: single nucleotide variant.
Coding change: c.3619G>T on transcript NM_032043.3 (MANE Select); coding-DNA position 3619, G replaced by T.
Protein change: p.Asp1207Tyr; replaces aspartic acid 1207 with tyrosine.
Molecular consequence: missense variant.
Genome position (GRCh38, 1-based): chr17:61,683,427, C>A on the plus strand (G>T on the coding strand, the complement: BRIP1 is on the minus strand). VCF-style: chr17-61683427-C-A. GRCh37 (hg19) VCF-style: chr17-59760788-C-A.
Other names: short protein forms D1207Y.
Identifiers: ClinVar variation 1733294 (VCV001733294.2), dbSNP rs2144069733, ClinGen allele CA400478000.

ClinVar aggregate classification (germline): Uncertain significance (1 of 4 stars; one submission).

Conditions:
Hereditary cancer-predisposing syndrome. Also called: Neoplastic Syndromes, Hereditary; Tumor predisposition; Hereditary Cancer Syndrome; Hereditary neoplastic syndrome. Identifiers: Orphanet 140162, MedGen C0027672, MeSH D009386, MONDO:0015356.

Submission:

Ambry Genetics
Classification: Uncertain significance for Hereditary cancer-predisposing syndrome. Last evaluated: 2021-12-11. Review status: criteria provided, single submitter. Criteria: Ambry Variant Classification Scheme 2023. Collection method: clinical testing. Allele origin: germline.
Comment: The p.D1207Y variant (also known as c.3619G>T), located in coding exon 19 of the BRIP1 gene, results from a G to T substitution at nucleotide position 3619. The aspartic acid at codon 1207 is replaced by tyrosine, an amino acid with highly dissimilar properties. This amino acid position is conserved. In addition, this alteration is predicted to be tolerated by in silico analysis. Since supporting evidence is limited at this time, the clinical significance of this alteration remains unclear.